The following is an entry in ClinVar:

ClinVar aggregate classification (germline): Uncertain significance (1 of 4 stars; one submission).

Submission:

Labcorp Genetics (formerly Invitae), Labcorp
Classification: Uncertain significance. Last evaluated: 2022-04-13. Review status: criteria provided, single submitter. Criteria: Invitae Variant Classification Sherloc (09022015). Collection method: clinical testing. Allele origin: germline.
Comment: This variant has not been reported in the literature in individuals affected with TTC37-related conditions. This variant is not present in population databases (gnomAD no frequency). This sequence change replaces glycine, which is neutral and non-polar, with valine, which is neutral and non-polar, at codon 461 of the TTC37 protein (p.Gly461Val). In summary, the available evidence is currently insufficient to determine the role of this variant in disease. Therefore, it has been classified as a Variant of Uncertain Significance. Algorithms developed to predict the effect of missense changes on protein structure and function are either unavailable or do not agree on the potential impact of this missense change (SIFT: "Deleterious"; PolyPhen-2: "Probably Damaging"; Align-GVGD: "Class C0").

NM_014639.4(SKIC3):c.1382G>T (p.Gly461Val)

Gene: SKIC3 (SKI3 subunit of superkiller complex; minus strand). Cytogenetic location: 5q15.
Variant type: single nucleotide variant.
Coding change: c.1382G>T on transcript NM_014639.4 (MANE Select); coding-DNA position 1382, G replaced by T.
Protein change: p.Gly461Val; replaces glycine 461 with valine.
Molecular consequence: missense variant.
Genome position (GRCh38, 1-based): chr5:95,524,535, C>A on the plus strand (G>T on the coding strand, the complement: SKIC3 is on the minus strand). VCF-style: chr5-95524535-C-A. GRCh37 (hg19) VCF-style: chr5-94860239-C-A.
Other names: short protein forms G461V.
Identifiers: ClinVar variation 2126121 (VCV002126121.4), dbSNP rs2112337130, ClinGen allele CA360464404.